The following is an entry in ClinVar:

NM_181872.6(DMRT2):c.301C>A (p.Pro101Thr)

Gene: DMRT2 (doublesex and mab-3 related transcription factor 2; plus strand). Cytogenetic location: 9p24.3.
Variant type: single nucleotide variant.
Coding change: c.301C>A on transcript NM_181872.6 (MANE Select); coding-DNA position 301, C replaced by A.
Protein change: p.Pro101Thr; replaces proline 101 with threonine.
Molecular consequence: missense variant. On other transcripts: 5 prime UTR variant (1), non-coding transcript variant (1).
Genome position (GRCh38, 1-based): chr9:1,051,914, C>A. VCF-style: chr9-1051914-C-A. GRCh37 (hg19) VCF-style: chr9-1051914-C-A.
Other names: c.301C>A, p.Pro101Thr (NM_001130865.3, NM_001370531.1, NM_001370533.1 and 4 more transcripts); c.-350C>A (NM_001370532.1); short protein forms P101T.
Identifiers: ClinVar variation 3666875 (VCV003666875.2).

ClinVar aggregate classification (germline): Uncertain significance (1 of 4 stars; one submission).

gnomAD v4.1: 15 of 1,362,044 alleles (0.0011%); highest among the groups gnomAD compares: Admixed American, 0.028%; no homozygotes.

Submission:

Labcorp Genetics (formerly Invitae), Labcorp
Classification: Uncertain significance. Last evaluated: 2025-09-14. Review status: criteria provided, single submitter. Criteria: Invitae Variant Classification Sherloc (09022015). Collection method: clinical testing. Allele origin: germline.
Comment: This sequence change replaces proline, which is neutral and non-polar, with threonine, which is neutral and polar, at codon 101 of the DMRT2 protein (p.Pro101Thr). This variant is present in population databases (rs532694299, gnomAD 0.006%). This variant has not been reported in the literature in individuals affected with DMRT2-related conditions. ClinVar contains an entry for this variant (Variation ID: 3666875). An algorithm developed to predict the effect of missense changes on protein structure and function (PolyPhen-2) suggests that this variant is likely to be tolerated. In summary, the available evidence is currently insufficient to determine the role of this variant in disease. Therefore, it has been classified as a Variant of Uncertain Significance.